The following is an entry in ClinVar:

ClinVar aggregate classification (germline): Uncertain significance (1 of 4 stars; one submission).

Allele frequency attached by ClinVar (database versions not stated): ExAC 0.00001; gnomAD 0.00001; gnomAD exomes 0.00001; TOPMed 0.00002.
gnomAD v4.1: 16 of 1,613,982 alleles (0.00099%); highest among the groups gnomAD compares: Non-Finnish European, 0.0014%; no homozygotes.

Submission:

Labcorp Genetics (formerly Invitae), Labcorp
Classification: Uncertain significance. Last evaluated: 2022-01-15. Review status: criteria provided, single submitter. Criteria: Invitae Variant Classification Sherloc (09022015). Collection method: clinical testing. Allele origin: germline.
Comment: This variant has not been reported in the literature in individuals affected with POC1B-related conditions. Algorithms developed to predict the effect of missense changes on protein structure and function (SIFT, PolyPhen-2, Align-GVGD) all suggest that this variant is likely to be tolerated. In summary, the available evidence is currently insufficient to determine the role of this variant in disease. Therefore, it has been classified as a Variant of Uncertain Significance. This sequence change replaces glutamic acid, which is acidic and polar, with lysine, which is basic and polar, at codon 386 of the POC1B protein (p.Glu386Lys). This variant is present in population databases (rs753389405, gnomAD 0.004%).

NM_172240.3(POC1B):c.1156G>A (p.Glu386Lys)

Genes: POC1B (POC1 centriolar protein B; minus strand), POC1B-DUSP6 (POC1B-DUSP6 readthrough; minus strand). Cytogenetic location: 12q21.33.
Variant type: single nucleotide variant.
Coding change: c.1156G>A on transcript NM_172240.3 (MANE Select); coding-DNA position 1156, G replaced by A.
Protein change: p.Glu386Lys; replaces glutamic acid 386 with lysine.
Molecular consequence: missense variant. On other transcripts: non-coding transcript variant (2).
Genome position (GRCh38, 1-based): chr12:89,425,337, C>T on the plus strand (G>A on the coding strand, the complement: POC1B is on the minus strand). VCF-style: chr12-89425337-C-T. GRCh37 (hg19) VCF-style: chr12-89819114-C-T.
Other names: c.1030G>A, p.Glu344Lys (NM_001199777.2); short protein forms E386K, E344K.
Identifiers: ClinVar variation 2200611 (VCV002200611.4), dbSNP rs753389405, ClinGen allele CA6714236.